The following is an entry in ClinVar:

ClinVar aggregate classification (germline): Benign (0 of 4 stars; one submission).

Conditions:
DCAF4L2-related disorder. Also called: DCAF4L2-related condition.

Allele frequency attached by ClinVar (database versions not stated): ExAC 0.00164; gnomAD 0.00517; TOPMed 0.00594; ESP Exome Variant Server 0.00638; 1000 Genomes Project 0.00739; 1000 Genomes Project 30x 0.00828.

Submission:

PreventionGenetics, part of Exact Sciences
Classification: Benign for DCAF4L2-related condition. Last evaluated: 2019-02-23. Review status: no assertion criteria provided. Collection method: clinical testing. Allele origin: germline.
Comment: This variant is classified as benign based on ACMG/AMP sequence variant interpretation guidelines (Richards et al. 2015 PMID: 25741868, with internal and published modifications).

NM_152418.4(DCAF4L2):c.938A>G (p.Asn313Ser)

Gene: DCAF4L2 (DDB1 and CUL4 associated factor 4 like 2; minus strand). Cytogenetic location: 8q21.3.
Variant type: single nucleotide variant.
Coding change: c.938A>G on transcript NM_152418.4 (MANE Select); coding-DNA position 938, A replaced by G.
Protein change: p.Asn313Ser; replaces asparagine 313 with serine.
Molecular consequence: missense variant.
Genome position (GRCh38, 1-based): chr8:87,873,034, T>C on the plus strand (A>G on the coding strand, the complement: DCAF4L2 is on the minus strand). VCF-style: chr8-87873034-T-C. GRCh37 (hg19) VCF-style: chr8-88885262-T-C.
Other names: short protein forms N313S.
Identifiers: ClinVar variation 3039703 (VCV003039703.2), dbSNP rs141645313, ClinGen allele CA4801131.
Genomic context (GRCh38, chr8:87,873,034, plus strand): 5'-CCCACGGCCGCCACGACTCCTTCTTCTTCGTTCACATGCACGGGTAGGTAGGCGGAGTTA[T>C]TCACATGACCTTCGTACTGTGTTACACATTTAGTGGCCCTCAAGTCCCACAGCTTGATAG-3'
Protein context (NP_689631.1, residues 303-323): KCVTQYEGHV[Asn313Ser]NSAYLPVHVN